The following is an entry in ClinVar:

ClinVar aggregate classification (germline): Uncertain significance (1 of 4 stars; one submission).

Allele frequency attached by ClinVar (database versions not stated): gnomAD 0.00001; gnomAD exomes 0.00001; ExAC 0.00003; TOPMed 0.00004.
gnomAD v4.1: 19 of 1,578,776 alleles (0.0012%); highest among the groups gnomAD compares: Non-Finnish European, 0.0013%; no homozygotes.

Submission:

Labcorp Genetics (formerly Invitae), Labcorp
Classification: Uncertain significance. Last evaluated: 2022-06-07. Review status: criteria provided, single submitter. Criteria: Invitae Variant Classification Sherloc (09022015). Collection method: clinical testing. Allele origin: germline.
Comment: This sequence change replaces lysine, which is basic and polar, with glutamine, which is neutral and polar, at codon 57 of the C1QC protein (p.Lys57Gln). The frequency data for this variant in the population databases is considered unreliable, as metrics indicate poor data quality at this position in the gnomAD database. This variant has not been reported in the literature in individuals affected with C1QC-related conditions. Algorithms developed to predict the effect of missense changes on protein structure and function are either unavailable or do not agree on the potential impact of this missense change (SIFT: "Deleterious"; PolyPhen-2: "Probably Damaging"; Align-GVGD: "Class C0"). In summary, the available evidence is currently insufficient to determine the role of this variant in disease. Therefore, it has been classified as a Variant of Uncertain Significance.

NM_172369.5(C1QC):c.169A>C (p.Lys57Gln)

Gene: C1QC (complement C1q C chain; plus strand). Cytogenetic location: 1p36.12.
Variant type: single nucleotide variant.
Coding change: c.169A>C on transcript NM_172369.5 (MANE Select); coding-DNA position 169, A replaced by C.
Protein change: p.Lys57Gln; replaces lysine 57 with glutamine.
Molecular consequence: missense variant. On other transcripts: intron variant (1).
Genome position (GRCh38, 1-based): chr1:22,644,192, A>C. VCF-style: chr1-22644192-A-C. GRCh37 (hg19) VCF-style: chr1-22970685-A-C.
Other names: c.169A>C, p.Lys57Gln (NM_001114101.3, NM_001347619.2); c.-87+478A>C (NM_001347620.2); short protein forms K57Q.
Identifiers: ClinVar variation 1988481 (VCV001988481.1), dbSNP rs780418859, ClinGen allele CA677906.
Genomic context (GRCh38, chr1:22,644,192, plus strand): 5'-GGGATGCCCGGCCTGCCCGGGGCACCAGGGAAGGATGGGTACGACGGACTGCCGGGGCCC[A>C]AGGGGGAGCCAGGTGAGTCTGCTGGCCTGGTTTGGGGGTTTGGGTCTGGGGCAGGGATCA-3'
Protein context (NP_758957.2, residues 47-67): KDGYDGLPGP[Lys57Gln]GEPGIPAIPG